The following is an entry in ClinVar:

NM_000548.5(TSC2):c.3252C>G (p.Asp1084Glu)

Gene: TSC2 (TSC complex subunit 2; plus strand). Cytogenetic location: 16p13.3.
Variant type: single nucleotide variant.
Coding change: c.3252C>G on transcript NM_000548.5 (MANE Select); coding-DNA position 3252, C replaced by G.
Protein change: p.Asp1084Glu; replaces aspartic acid 1084 with glutamic acid.
Molecular consequence: missense variant.
Genome position (GRCh38, 1-based): chr16:2,079,396, C>G. VCF-style: chr16-2079396-C-G. GRCh37 (hg19) VCF-style: chr16-2129397-C-G.
Other names: c.3120C>G, p.Asp1040Glu (NM_001077183.3, NM_001370404.1); c.3252C>G, p.Asp1084Glu (NM_001114382.3); c.3012C>G, p.Asp1004Glu (NM_001318827.2); c.2976C>G, p.Asp992Glu (NM_001318829.2); c.2520C>G, p.Asp840Glu (NM_001318831.2); c.3153C>G, p.Asp1051Glu (NM_001318832.2); c.3123C>G, p.Asp1041Glu (NM_001363528.2, NM_001370405.1, NM_021055.3); short protein forms D1084E, D1041E, D992E, D1040E, D1051E, D840E, D1004E.
Identifiers: ClinVar variation 49248 (VCV000049248.14), dbSNP rs45517286, ClinGen allele CA018744.

ClinVar aggregate classification (germline): Conflicting classifications of pathogenicity. Review status: criteria provided, conflicting classifications (1 of 4 stars). 4 submissions from 4 submitters: Uncertain significance (2); Benign (1). 1 of the submissions does not count toward it. Last evaluated 2025-09-11.

Conditions:
Hereditary cancer-predisposing syndrome. Also called: Neoplastic Syndromes, Hereditary; Tumor predisposition; Hereditary Cancer Syndrome; Hereditary neoplastic syndrome. Identifiers: Orphanet 140162, MedGen C0027672, MeSH D009386, MONDO:0015356.
Tuberous sclerosis syndrome (TSC). Also called: Tuberous Sclerosis Complex; Tuberous sclerosis. Identifiers: Orphanet 805, MedGen C0041341, MONDO:0001734.
Tuberous sclerosis 2 (TSC2). Identifiers: Orphanet 805, MedGen C1860707, MONDO:0013199, OMIM 613254.

Allele frequency attached by ClinVar (database versions not stated): gnomAD 0.00003; TOPMed 0.00001.
gnomAD v4.1: 5 of 1,612,718 alleles (0.00031%); highest among the groups gnomAD compares: African/African-American, 0.0067%; no homozygotes.

Submissions (4):

Ambry Genetics
Classification: Uncertain significance for Hereditary cancer-predisposing syndrome. Last evaluated: 2025-09-11. Review status: criteria provided, single submitter. Criteria: Ambry Variant Classification Scheme 2023. Collection method: clinical testing. Allele origin: germline.
Comment: The p.D1084E variant (also known as c.3252C>G), located in coding exon 27 of the TSC2 gene, results from a C to G substitution at nucleotide position 3252. The aspartic acid at codon 1084 is replaced by glutamic acid, an amino acid with highly similar properties. This amino acid position is well conserved in available vertebrate species. In addition, this alteration is predicted to be deleterious by in silico analysis. Since supporting evidence is limited at this time, the clinical significance of this alteration remains unclear.

Labcorp Genetics (formerly Invitae), Labcorp
Classification: Benign for Tuberous sclerosis 2. Last evaluated: 2024-12-05. Review status: criteria provided, single submitter. Criteria: Invitae Variant Classification Sherloc (09022015). Collection method: clinical testing. Allele origin: germline.

All of Us Research Program, National Institutes of Health
Classification: Uncertain significance for Tuberous sclerosis syndrome. Last evaluated: 2023-06-27. Review status: criteria provided, single submitter. Criteria: ACMG Guidelines, 2015. Collection method: clinical testing. Allele origin: germline. Inheritance: Autosomal dominant inheritance. Observed: 1 variant allele, 1 heterozygote.
Comment: This study involves interpretation of variants in research participants for the purpose of population health screening. Participant phenotype was not available at the time of variant classification. Additional details can be found in publication PMID: 35346344, PMCID: PMC8962531

Tuberous sclerosis database (TSC2)
No classification provided. Condition: TSC. Review status: no classification provided. Criteria: Tuberous Sclerosis Database Assertion Criteria 2015. Collection method: curation. Allele origin: germline. Affected: yes. Not counted in ClinVar's aggregate classification.